The following is an entry in ClinVar:

ClinVar aggregate classification (germline): Uncertain significance (1 of 4 stars; one submission).

Submission:

Labcorp Genetics (formerly Invitae), Labcorp
Classification: Uncertain significance. Last evaluated: 2024-09-09. Review status: criteria provided, single submitter. Criteria: Invitae Variant Classification Sherloc (09022015). Collection method: clinical testing. Allele origin: germline.
Comment: This sequence change replaces serine, which is neutral and polar, with arginine, which is basic and polar, at codon 79 of the SLC12A2 protein (p.Ser79Arg). This variant is not present in population databases (gnomAD no frequency). This variant has not been reported in the literature in individuals affected with SLC12A2-related conditions. Invitae Evidence Modeling of protein sequence and biophysical properties (such as structural, functional, and spatial information, amino acid conservation, physicochemical variation, residue mobility, and thermodynamic stability) indicates that this missense variant is not expected to disrupt SLC12A2 protein function with a negative predictive value of 95%. In summary, the available evidence is currently insufficient to determine the role of this variant in disease. Therefore, it has been classified as a Variant of Uncertain Significance.

NM_001046.3(SLC12A2):c.237C>G (p.Ser79Arg)

Genes: SLC12A2 (solute carrier family 12 member 2; plus strand), LOC129994526 (ATAC-STARR-seq lymphoblastoid silent region 16295; plus strand). Cytogenetic location: 5q23.3.
Variant type: single nucleotide variant.
Coding change: c.237C>G on transcript NM_001046.3 (MANE Select); coding-DNA position 237, C replaced by G.
Protein change: p.Ser79Arg; replaces serine 79 with arginine.
Molecular consequence: missense variant. On other transcripts: non-coding transcript variant (1).
Genome position (GRCh38, 1-based): chr5:128,084,191, C>G. VCF-style: chr5-128084191-C-G. GRCh37 (hg19) VCF-style: chr5-127419883-C-G.
Other names: c.237C>G, p.Ser79Arg (NM_001256461.2); short protein forms S79R.
Identifiers: ClinVar variation 3687061 (VCV003687061.2).